The following is an entry in ClinVar:

ClinVar aggregate classification (germline): Benign/Likely benign. Review status: criteria provided, multiple submitters, no conflicts (2 of 4 stars). 11 submissions from 11 submitters: Benign (7); Likely benign (2). 2 of the submissions do not count toward it. Last evaluated 2026-09-01.

Conditions:
Cardiovascular phenotype. Identifiers: MedGen CN230736.
Catecholaminergic polymorphic ventricular tachycardia 1. Also called: RYR2-Related Catecholaminergic Polymorphic Ventricular Tachycardia; VENTRICULAR TACHYCARDIA, STRESS-INDUCED POLYMORPHIC 1; VENTRICULAR TACHYCARDIA, CATECHOLAMINERGIC POLYMORPHIC, 1, WITH OR WITHOUT ATRIAL DYSFUNCTION AND/OR DILATED CARDIOMYOPATHY. Identifiers: Orphanet 3286, MedGen C1631597, MONDO:0011484, OMIM 604772.

Allele frequency attached by ClinVar (database versions not stated): ESP Exome Variant Server 0.00376; TOPMed 0.00409; gnomAD 0.00430; 1000 Genomes Project 0.00639; 1000 Genomes Project 30x 0.00734.
gnomAD v4.1: 1,369 of 1,610,318 alleles (0.085%); highest among the groups gnomAD compares: African/African-American, 1.5%; 14 homozygotes.

Submissions (11):

CeGaT Center for Human Genetics Tuebingen
Classification: Benign. Last evaluated: 2026-09-01. Review status: criteria provided, single submitter. Criteria: CeGaT Center For Human Genetics Tuebingen Variant Classification Criteria Version 2. Collection method: clinical testing. Allele origin: germline. Affected: yes. Observed: 5 variant alleles.
Comment: TRDN: BP4, BS1, BS2

Labcorp Genetics (formerly Invitae), Labcorp
Classification: Benign for Catecholaminergic polymorphic ventricular tachycardia 1. Last evaluated: 2026-02-02. Review status: criteria provided, single submitter. Criteria: Invitae Variant Classification Sherloc (09022015). Collection method: clinical testing. Allele origin: germline.

Molecular Diagnostic Laboratory for Inherited Cardiovascular Disease, Montreal Heart Institute
Classification: Likely benign. Last evaluated: 2025-04-09. Review status: criteria provided, single submitter. Criteria: ACMG Guidelines, 2015. Collection method: clinical testing. Allele origin: germline. Affected: no.
Comment: BS1;BP6

Blueprint Genetics
Classification: Likely benign. Last evaluated: 2024-11-25. Review status: criteria provided, single submitter. Criteria: ACMG Guidelines, 2015. Collection method: clinical testing. Allele origin: germline.

Women's Health and Genetics/Laboratory Corporation of America, LabCorp
Classification: Benign. Last evaluated: 2024-06-04. Review status: criteria provided, single submitter. Criteria: LabCorp Variant Classification Summary - May 2015. Collection method: clinical testing. Allele origin: germline.
Comment: Variant summary: TRDN c.1721-4A>G alters a non-conserved nucleotide located close to a canonical splice site and therefore could affect mRNA splicing, leading to a significantly altered protein sequence. Consensus agreement among computation tools predict no significant impact on normal splicing. However, these predictions have yet to be confirmed by functional studies. The variant allele was found at a frequency of 0.0011 in 246202 control chromosomes, predominantly at a frequency of 0.014 within the African or African-American subpopulation in the gnomAD database, including 4 homozygotes. The observed variant frequency within African or African-American control individuals in the gnomAD database is approximately 8.85 fold of the estimated maximal expected allele frequency for a pathogenic variant in TRDN causing Catecholaminergic Polymorphic Ventricular Tachycardia phenotype (0.0016). c.1721-4A>G has been reported in the literature in a sudden unexpected death in infants cohort, however the authors classified this variant as benign according to ACMG criteria (e.g., Heathfield_2021). To our knowledge, no experimental evidence demonstrating an impact on protein function has been reported. The following publication have been ascertained in the context of this evaluation (PMID: 36267857). ClinVar contains an entry for this variant (Variation ID: 227116). Based on the evidence outlined above, the variant was classified as benign.

Mayo Clinic Laboratories, Mayo Clinic
Classification: Benign. Last evaluated: 2023-08-24. Review status: criteria provided, single submitter. Criteria: ACMG Guidelines, 2015. Collection method: clinical testing. Allele origin: germline. Observed: 5 variant alleles.
Comment: BS1, BS2, BP4, BP7

GeneDx
Classification: Benign. Last evaluated: 2018-04-25. Review status: criteria provided, single submitter. Criteria: GeneDx Variant Classification (06012015). Collection method: clinical testing. Allele origin: germline. Affected: yes.
Comment: This variant is considered likely benign or benign based on one or more of the following criteria: it is a conservative change, it occurs at a poorly conserved position in the protein, it is predicted to be benign by multiple in silico algorithms, and/or has population frequency not consistent with disease.

Ambry Genetics
Classification: Benign for Cardiovascular phenotype. Last evaluated: 2015-05-11. Review status: criteria provided, single submitter. Criteria: Ambry Variant Classification Scheme 2023. Collection method: clinical testing. Allele origin: germline.

Laboratory for Molecular Medicine, Mass General Brigham Personalized Medicine
Classification: Benign. Last evaluated: 2014-11-24. Review status: criteria provided, single submitter. Criteria: LMM Criteria. Collection method: clinical testing. Allele origin: germline. Observed: 2 variant alleles.
Comment: 1721-4A>G in intron 30 of TRDN: This variant is not expected to have clinical si gnificance because it is not located within the conserved splice consensus seque nce. It has been identified in 1.2% (44/3766) of African American chromosomes fr om a broad population by the NHLBI Exome Sequencing Project (dbSNP rs60743141).

Clinical Genetics, Academic Medical Center
Classification: Benign. Review status: no assertion criteria provided. Collection method: clinical testing. Allele origin: germline. Affected: yes. Study: VKGL Data-share Consensus. Not counted in ClinVar's aggregate classification.

Joint Genome Diagnostic Labs from Nijmegen and Maastricht, Radboudumc and MUMC+
Classification: Likely benign. Review status: no assertion criteria provided. Collection method: clinical testing. Allele origin: germline. Affected: yes. Study: VKGL Data-share Consensus. Not counted in ClinVar's aggregate classification.

Literature cited by the submitters: PubMed 36267857 (cited by Women's Health and Genetics/Laboratory Corporation of America, LabCorp).

NM_006073.4(TRDN):c.1721-4A>G

Gene: TRDN (triadin; minus strand). Cytogenetic location: 6q22.31.
Variant type: single nucleotide variant.
Coding change: c.1721-4A>G on transcript NM_006073.4 (MANE Select); 4 bases into the intron before coding-DNA position 1721, A replaced by G.
Molecular consequence: intron variant.
Genome position (GRCh38, 1-based): chr6:123,269,870, T>C on the plus strand (A>G on the coding strand, the complement: TRDN is on the minus strand). VCF-style: chr6-123269870-T-C. GRCh37 (hg19) VCF-style: chr6-123591015-T-C.
Other names: p.?.
Identifiers: ClinVar variation 227116 (VCV000227116.50), dbSNP rs60743141, ClinGen allele CA3983788.